The following is an entry in ClinVar:

NM_030662.4(MAP2K2):c.211G>A (p.Asp71Asn)

Gene: MAP2K2 (mitogen-activated protein kinase kinase 2; minus strand). Cytogenetic location: 19p13.3.
Variant type: single nucleotide variant.
Coding change: c.211G>A on transcript NM_030662.4 (MANE Select); coding-DNA position 211, G replaced by A.
Protein change: p.Asp71Asn; replaces aspartic acid 71 with asparagine.
Molecular consequence: missense variant.
Genome position (GRCh38, 1-based): chr19:4,117,511, C>T on the plus strand (G>A on the coding strand, the complement: MAP2K2 is on the minus strand). VCF-style: chr19-4117511-C-T. GRCh37 (hg19) VCF-style: chr19-4117509-C-T.
Other names: short protein forms D71N.
Identifiers: ClinVar variation 3344297 (VCV003344297.2).

ClinVar aggregate classification (germline): Uncertain significance. Review status: criteria provided, single submitter (1 of 4 stars). 2 submissions from 2 submitters: Uncertain significance (1). 1 of the submissions does not count toward it. Last evaluated 2025-09-15.

Conditions:
MAP2K2-related disorder. Also called: MAP2K2-related condition.
Cardiofaciocutaneous syndrome 4 (CFC4). Also called: MAP2K2-Related Cardiofaciocutaneous Syndrome. Identifiers: Orphanet 1340, MedGen C3809007, MONDO:0014114, OMIM 615280.

Submissions (2):

MVZ Praenatalmedizin und Genetik Nuernberg
Classification: Uncertain significance for Cardiofaciocutaneous syndrome 4. Last evaluated: 2025-09-15. Review status: criteria provided, single submitter. Criteria: ACMG Guidelines, 2015. Collection method: clinical testing. Allele origin: germline.
Comment: This very rare mutation (gnomAD v4: 0 alleles) is listed once in the ClinVar database as a variant of uncertain significance (VUS) and affects a highly conserved amino acid. A literature review yielded no additional information. In summary, based on the current data, we assess this to be a variant of uncertain clinical significance (VUS).

PreventionGenetics, part of Exact Sciences
Classification: Uncertain significance for MAP2K2-related condition. Last evaluated: 2024-08-22. Review status: no assertion criteria provided. Collection method: clinical testing. Allele origin: germline. Not counted in ClinVar's aggregate classification.
Comment: The MAP2K2 c.211G>A variant is predicted to result in the amino acid substitution p.Asp71Asn. To our knowledge, this variant has not been reported in the literature or in a large population database, indicating this variant is rare. At this time, the clinical significance of this variant is uncertain due to the absence of conclusive functional and genetic evidence.